The following is an entry in ClinVar:

ClinVar aggregate classification (germline): Uncertain significance (1 of 4 stars; one submission).

Conditions:
LAMA2-related muscular dystrophy (LAMA2-RD). Also called: Laminin alpha 2-related dystrophy. Identifiers: MedGen C5679788, MONDO:0100228.

Allele frequency attached by ClinVar (database versions not stated): gnomAD exomes below 0.00001; ExAC 0.00001.
gnomAD v4.1: 1 of 1,612,018 alleles (0.000062%); highest among the groups gnomAD compares: Admixed American, 0.0017%; no homozygotes.

Submission:

Labcorp Genetics (formerly Invitae), Labcorp
Classification: Uncertain significance for LAMA2-related muscular dystrophy. Last evaluated: 2022-05-17. Review status: criteria provided, single submitter. Criteria: Invitae Variant Classification Sherloc (09022015). Collection method: clinical testing. Allele origin: germline.
Comment: This sequence change replaces asparagine, which is neutral and polar, with aspartic acid, which is acidic and polar, at codon 2089 of the LAMA2 protein (p.Asn2089Asp). This variant is present in population databases (rs776874173, gnomAD 0.003%). This variant has not been reported in the literature in individuals affected with LAMA2-related conditions. Advanced modeling of protein sequence and biophysical properties (such as structural, functional, and spatial information, amino acid conservation, physicochemical variation, residue mobility, and thermodynamic stability) performed at Invitae indicates that this missense variant is not expected to disrupt LAMA2 protein function. In summary, the available evidence is currently insufficient to determine the role of this variant in disease. Therefore, it has been classified as a Variant of Uncertain Significance.

NM_000426.4(LAMA2):c.6265A>G (p.Asn2089Asp)

Genes: LAMA2 (laminin subunit alpha 2; plus strand), LOC123864065 (Sharpr-MPRA regulatory region 661; plus strand). Cytogenetic location: 6q22.33.
Variant type: single nucleotide variant.
Coding change: c.6265A>G on transcript NM_000426.4 (MANE Select); coding-DNA position 6265, A replaced by G.
Protein change: p.Asn2089Asp; replaces asparagine 2089 with aspartic acid.
Molecular consequence: missense variant.
Genome position (GRCh38, 1-based): chr6:129,440,995, A>G. VCF-style: chr6-129440995-A-G. GRCh37 (hg19) VCF-style: chr6-129762140-A-G.
Other names: c.6265A>G, p.Asn2089Asp (NM_001079823.2); short protein forms N2089D.
Identifiers: ClinVar variation 2051527 (VCV002051527.1), dbSNP rs776874173, ClinGen allele CA3994149.